The following is an entry in ClinVar:

ClinVar aggregate classification (germline): Uncertain significance. Review status: criteria provided, multiple submitters, no conflicts (2 of 4 stars). 5 submissions from 5 submitters: Uncertain significance (5). Last evaluated 2026-04-30.

Conditions:
TTC21B-related disorder. Also called: TTC21B-related condition; TTC21B-related disorders.
Jeune thoracic dystrophy. Also called: Short-rib thoracic dysplasia; Jeune syndrome; Infantile thoracic dystrophy; Thoracic pelvic phalangeal dystrophy; Jeune's syndrome; Chondroectodermal dysplasia-like syndrome. Identifiers: Orphanet 474, MedGen C0265275, MONDO:0018770.
Nephronophthisis. Also called: Juvenile Nephronophthisis. Identifiers: Orphanet 655, MedGen C0687120, MONDO:0019005, HP:0000090.
Nephronophthisis 12 (NPHP12). Identifiers: Orphanet 655, MedGen C3151186, MONDO:0013442, OMIM 613820.
Asphyxiating thoracic dystrophy 4 (SRTD4). Also called: SHORT-RIB THORACIC DYSPLASIA 4 WITH OR WITHOUT POLYDACTYLY; SHORT-RIB THORACIC DYSPLASIA 4. Identifiers: Orphanet 474, MedGen C3151185, MONDO:0013441, OMIM 613819.

Allele frequency attached by ClinVar (database versions not stated): gnomAD 0.00009; gnomAD exomes 0.00010; TOPMed 0.00011; ExAC 0.00012; ESP Exome Variant Server 0.00038.
gnomAD v4.1: 154 of 1,613,836 alleles (0.0095%); highest among the groups gnomAD compares: Non-Finnish European, 0.012%; 1 homozygote.

Submissions (5):

PreventionGenetics, part of Exact Sciences
Classification: Uncertain significance for TTC21B-related condition. Last evaluated: 2026-04-30. Review status: criteria provided, single submitter. Criteria: ACMG Guidelines, 2015. Collection method: clinical testing. Allele origin: germline.
Comment: The TTC21B c.2606A>G variant is predicted to result in the amino acid substitution p.Gln869Arg. This variant was reported in an individual with Meckel-Gruber-like syndrome (Supplementary Table 3, Davis et al. 2011. PubMed ID: 21258341). This variant is reported in 0.020% of alleles in individuals of European (Finnish) descent in gnomAD. At this time, the clinical significance of this variant is uncertain due to the absence of conclusive functional and genetic evidence.

Labcorp Genetics (formerly Invitae), Labcorp
Classification: Uncertain significance for Jeune thoracic dystrophy; Nephronophthisis. Last evaluated: 2025-11-27. Review status: criteria provided, single submitter. Criteria: Invitae Variant Classification Sherloc (09022015). Collection method: clinical testing. Allele origin: germline.
Comment: This sequence change replaces glutamine, which is neutral and polar, with arginine, which is basic and polar, at codon 869 of the TTC21B protein (p.Gln869Arg). This variant is present in population databases (rs137926033, gnomAD 0.02%). This missense change has been observed in individual(s) with clinical features of Meckel-Gruber syndrome (PMID: 21258341). ClinVar contains an entry for this variant (Variation ID: 1002519). Invitae Evidence Modeling of protein sequence and biophysical properties (such as structural, functional, and spatial information, amino acid conservation, physicochemical variation, residue mobility, and thermodynamic stability) indicates that this missense variant is not expected to disrupt TTC21B protein function with a negative predictive value of 95%. In summary, the available evidence is currently insufficient to determine the role of this variant in disease. Therefore, it has been classified as a Variant of Uncertain Significance.

Blueprint Genetics
Classification: Uncertain significance. Last evaluated: 2024-11-21. Review status: criteria provided, single submitter. Criteria: ACMG Guidelines, 2015. Collection method: clinical testing. Allele origin: germline.

GeneDx
Classification: Uncertain significance. Last evaluated: 2024-05-07. Review status: criteria provided, single submitter. Criteria: GeneDx Variant Classification Process June 2021. Collection method: clinical testing. Allele origin: germline. Affected: yes.
Comment: In silico analysis supports that this missense variant does not alter protein structure/function; Reported in an individual with a Meckel-Gruber-like phenotype in the literature (PMID: 21258341); This variant is associated with the following publications: (PMID: 21258341, 31764884)

Fulgent Genetics
Classification: Uncertain significance for Asphyxiating thoracic dystrophy 4; Nephronophthisis 12. Last evaluated: 2024-04-11. Review status: criteria provided, single submitter. Criteria: ACMG Guidelines, 2015. Collection method: clinical testing. Allele origin: germline.

Literature cited by the submitters: PubMed 21258341 (cited by Labcorp Genetics (formerly Invitae), Labcorp).

NM_024753.5(TTC21B):c.2606A>G (p.Gln869Arg)

Gene: TTC21B (tetratricopeptide repeat domain 21B; minus strand). Cytogenetic location: 2q24.3.
Variant type: single nucleotide variant.
Coding change: c.2606A>G on transcript NM_024753.5 (MANE Select); coding-DNA position 2606, A replaced by G.
Protein change: p.Gln869Arg; replaces glutamine 869 with arginine.
Molecular consequence: missense variant.
Genome position (GRCh38, 1-based): chr2:165,901,873, T>C on the plus strand (A>G on the coding strand, the complement: TTC21B is on the minus strand). VCF-style: chr2-165901873-T-C. GRCh37 (hg19) VCF-style: chr2-166758383-T-C.
Other names: short protein forms Q869R.
Identifiers: ClinVar variation 1002519 (VCV001002519.12), dbSNP rs137926033, ClinGen allele CA1941765.
Genomic context (GRCh38, chr2:165,901,873, plus strand): 5'-TCTGCACAAATTTCAGCTGCTAAATGTTTCTGTGCAGGAACTGCATCTGGCTGTTCCATC[T>C]GAACACGTTTTAGTACCCGAGCTTGTAATTCTCGAGCCTAGAAAAAATCAGTATAAAAGG-3'
Protein context (NP_079029.3, residues 859-879): ELQARVLKRV[Gln869Arg]MEQPDAVPAQ